The following is an entry in ClinVar:

ClinVar aggregate classification (germline): Likely benign (0 of 4 stars; one submission).

Conditions:
SEMA6D-related disorder. Also called: SEMA6D-related condition.

Allele frequency attached by ClinVar (database versions not stated): gnomAD 0.00001; gnomAD exomes 0.00002; TOPMed 0.00003.
gnomAD v4.1: 33 of 1,613,164 alleles (0.002%); highest among the groups gnomAD compares: Admixed American, 0.0033%; no homozygotes.

Submission:

PreventionGenetics, part of Exact Sciences
Classification: Likely benign for SEMA6D-related condition. Last evaluated: 2019-03-14. Review status: no assertion criteria provided. Collection method: clinical testing. Allele origin: germline.
Comment: This variant is classified as likely benign based on ACMG/AMP sequence variant interpretation guidelines (Richards et al. 2015 PMID: 25741868, with internal and published modifications).

NM_001358351.3(SEMA6D):c.462A>G (p.Glu154=)

Gene: SEMA6D (semaphorin 6D; plus strand). Cytogenetic location: 15q21.1.
Variant type: single nucleotide variant.
Coding change: c.462A>G on transcript NM_001358351.3 (MANE Select); coding-DNA position 462, A replaced by G.
Protein change: p.Glu154=; no amino-acid change (glutamic acid 154 retained).
Molecular consequence: synonymous variant.
Genome position (GRCh38, 1-based): chr15:47,761,675, A>G. VCF-style: chr15-47761675-A-G. GRCh37 (hg19) VCF-style: chr15-48053872-A-G.
Other names: c.462A>G, p.Glu154= (NM_001198999.2, NM_001358352.2, NM_020858.2 and 5 more transcripts).
Identifiers: ClinVar variation 3046734 (VCV003046734.2), dbSNP rs575377637, ClinGen allele CA269447427.
Genomic context (GRCh38, chr15:47,761,675, plus strand): 5'-GCACGTTGAATAGATATGACACTGGCTATTTACTTTTCTTTTGTAGTTGAGTACCTTAGA[A>G]TATGATGGGGAAGAAATTAGTGGCCTGGCAAGATGCCCATTTGATGCCAGACAAACCAAT-3'
Protein context (NP_001345280.1, residues 144-164): MCRYYRLSTL[Glu154=]YDGEEISGLA